The following is an entry in ClinVar:

ClinVar aggregate classification (germline): Uncertain significance. Review status: criteria provided, multiple submitters, no conflicts (2 of 4 stars). 2 submissions from 2 submitters: Uncertain significance (2). Last evaluated 2022-02-07.

Conditions:
Short-rib thoracic dysplasia 10 with or without polydactyly (SRTD10). Identifiers: Orphanet 474, MedGen C3810175, MONDO:0014284, OMIM 615630.
Retinitis pigmentosa 71 (RP71). Identifiers: Orphanet 791, MedGen C4225342, MONDO:0014618, OMIM 616394.

Submissions (2):

Blueprint Genetics
Classification: Uncertain significance. Last evaluated: 2022-02-07. Review status: criteria provided, single submitter. Criteria: ACMG Guidelines, 2015. Collection method: clinical testing. Allele origin: germline.

Labcorp Genetics (formerly Invitae), Labcorp
Classification: Uncertain significance for Retinitis pigmentosa 71; Short-rib thoracic dysplasia 10 with or without polydactyly. Last evaluated: 2021-02-05. Review status: criteria provided, single submitter. Criteria: Invitae Variant Classification Sherloc (09022015). Collection method: clinical testing. Allele origin: germline.
Comment: In summary, the available evidence is currently insufficient to determine the role of this variant in disease. Therefore, it has been classified as a Variant of Uncertain Significance. Algorithms developed to predict the effect of missense changes on protein structure and function are either unavailable or do not agree on the potential impact of this missense change (SIFT: "Deleterious"; PolyPhen-2: "Probably Damaging"; Align-GVGD: "Class C0"). This variant has not been reported in the literature in individuals with IFT172-related conditions. This variant is not present in population databases (ExAC no frequency). This sequence change replaces lysine with threonine at codon 94 of the IFT172 protein (p.Lys94Thr). The lysine residue is moderately conserved and there is a moderate physicochemical difference between lysine and threonine.

NM_015662.3(IFT172):c.281A>C (p.Lys94Thr)

Gene: IFT172 (intraflagellar transport 172; minus strand). Cytogenetic location: 2p23.3.
Variant type: single nucleotide variant.
Coding change: c.281A>C on transcript NM_015662.3 (MANE Select); coding-DNA position 281, A replaced by C.
Protein change: p.Lys94Thr; replaces lysine 94 with threonine.
Molecular consequence: missense variant.
Genome position (GRCh38, 1-based): chr2:27,485,033, T>G on the plus strand (A>C on the coding strand, the complement: IFT172 is on the minus strand). VCF-style: chr2-27485033-T-G. GRCh37 (hg19) VCF-style: chr2-27707900-T-G.
Other names: short protein forms K94T.
Identifiers: ClinVar variation 1407918 (VCV001407918.9), dbSNP rs1668654872, ClinGen allele CA346402324.